The following is an entry in ClinVar:

ClinVar aggregate classification (germline): Likely benign. Review status: criteria provided, multiple submitters, no conflicts (2 of 4 stars). 4 submissions from 4 submitters: Likely benign (4). Last evaluated 2025-11-17.

Conditions:
Hereditary cancer-predisposing syndrome. Also called: Tumor predisposition; Neoplastic Syndromes, Hereditary; Hereditary Cancer Syndrome; Hereditary neoplastic syndrome. Identifiers: Orphanet 140162, MedGen C0027672, MeSH D009386, MONDO:0015356.
Tuberous sclerosis syndrome (TSC). Also called: Tuberous Sclerosis Complex; Tuberous sclerosis. Identifiers: Orphanet 805, MedGen C0041341, MONDO:0001734.
Tuberous sclerosis 2 (TSC2). Identifiers: Orphanet 805, MedGen C1860707, MONDO:0013199, OMIM 613254.

Allele frequency attached by ClinVar (database versions not stated): TOPMed 0.00002.
gnomAD v4.1: 71 of 1,549,888 alleles (0.0046%); highest among the groups gnomAD compares: Non-Finnish European, 0.0062%; no homozygotes.

Submissions (4):

Color Diagnostics, LLC DBA Color Health
Classification: Likely benign for Tuberous sclerosis syndrome. Last evaluated: 2025-11-17. Review status: criteria provided, single submitter. Criteria: ACMG Guidelines, 2015. Collection method: clinical testing. Allele origin: germline.

Myriad Genetics, Inc.
Classification: Likely benign for Tuberous sclerosis 2. Last evaluated: 2025-05-14. Review status: criteria provided, single submitter. Criteria: Myriad Autosomal Dominant, Autosomal Recessive and X-Linked Classification Criteria (2023). Collection method: clinical testing. Allele origin: unknown.
Comment: This variant is considered likely benign. This variant is intronic and is not expected to impact mRNA splicing.

Labcorp Genetics (formerly Invitae), Labcorp
Classification: Likely benign for Tuberous sclerosis 2. Last evaluated: 2025-01-16. Review status: criteria provided, single submitter. Criteria: Invitae Variant Classification Sherloc (09022015). Collection method: clinical testing. Allele origin: germline.

Ambry Genetics
Classification: Likely benign for Hereditary cancer-predisposing syndrome. Last evaluated: 2024-01-05. Review status: criteria provided, single submitter. Criteria: Ambry Variant Classification Scheme 2023. Collection method: clinical testing. Allele origin: germline.

NM_000548.5(TSC2):c.1362-4G>T

Gene: TSC2 (TSC complex subunit 2; plus strand). Cytogenetic location: 16p13.3.
Variant type: single nucleotide variant.
Coding change: c.1362-4G>T on transcript NM_000548.5 (MANE Select); 4 bases into the intron before coding-DNA position 1362, G replaced by T.
Molecular consequence: intron variant.
Genome position (GRCh38, 1-based): chr16:2,062,968, G>T. VCF-style: chr16-2062968-G-T. GRCh37 (hg19) VCF-style: chr16-2112969-G-T.
Other names: c.1362-4G>T (NM_001114382.3, NM_021055.3, NM_001370405.1 and 3 more transcripts); c.1251-4G>T (NM_001318827.2); c.762-4G>T (NM_001318831.2); c.1215-4G>T (NM_001318829.2); c.1395-4G>T (NM_001318832.2).
Identifiers: ClinVar variation 413645 (VCV000413645.15), dbSNP rs397515145, ClinGen allele CA16614708.